The following is an entry in ClinVar:

ClinVar aggregate classification (germline): Uncertain significance (1 of 4 stars; one submission).

Submission:

GeneDx
Classification: Uncertain significance. Last evaluated: 2022-10-14. Review status: criteria provided, single submitter. Criteria: GeneDx Variant Classification Process June 2021. Collection method: clinical testing. Allele origin: germline. Affected: yes.
Comment: Not observed at significant frequency in large population cohorts (gnomAD); In silico analysis supports that this missense variant does not alter protein structure/function; Has not been previously published as pathogenic or benign to our knowledge

NM_004387.4(NKX2-5):c.734T>G (p.Leu245Arg)

Gene: NKX2-5 (NK2 homeobox 5; minus strand). Cytogenetic location: 5q35.1.
Variant type: single nucleotide variant.
Coding change: c.734T>G on transcript NM_004387.4 (MANE Select); coding-DNA position 734, T replaced by G.
Protein change: p.Leu245Arg; replaces leucine 245 with arginine.
Molecular consequence: missense variant. On other transcripts: 3 prime UTR variant (2).
Genome position (GRCh38, 1-based): chr5:173,232,810, A>C on the plus strand (T>G on the coding strand, the complement: NKX2-5 is on the minus strand). VCF-style: chr5-173232810-A-C. GRCh37 (hg19) VCF-style: chr5-172659813-A-C.
Other names: c.*687T>G (NM_001166175.2); c.*533T>G (NM_001166176.2); short protein forms L245R.
Identifiers: ClinVar variation 2499268 (VCV002499268.1), dbSNP rs2480072038, ClinGen allele CA362161269.
Genomic context (GRCh38, chr5:173,232,810, plus strand): 5'-CTGCAGGCCGCGCCGCCGTAACCCGGATAGGCGGGGTAGGCGTTATAACCGTAGGGATTG[A>C]GGCCCACGCCGTAGGCAGGCGCGTAGGGCGCCGAGTCCCCTAGGCATGGCTTGCCATCGC-3'
Protein context (NP_004378.1, residues 235-255): APYAPAYGVG[Leu245Arg]NPYGYNAYPA